The following is an entry in ClinVar:

ClinVar aggregate classification (germline): Conflicting classifications of pathogenicity. Review status: criteria provided, conflicting classifications (1 of 4 stars). 3 submissions from 3 submitters: Pathogenic (2); Uncertain significance (1). Last evaluated 2026-01-16.

Conditions:
Enterokinase deficiency. Also called: Congenital enteropathy due to enteropeptidase deficiency; ENTEROPEPTIDASE DEFICIENCY; Deficiency of enteropeptidase. Identifiers: Orphanet 168601, MedGen C0268416, MONDO:0009173, OMIM 226200.

Submissions (3):

Women's Health and Genetics/Laboratory Corporation of America, LabCorp
Classification: Pathogenic for Enterokinase deficiency. Last evaluated: 2026-01-16. Review status: criteria provided, single submitter. Criteria: LabCorp Variant Classification Summary - May 2015. Collection method: clinical testing. Allele origin: germline.
Comment: Variant summary: TMPRSS15 c.2042dupT (p.Asn682GlnfsX24) results in a premature termination codon, predicted to cause a truncation of the encoded protein or absence of the protein due to nonsense mediated decay, which are commonly known mechanisms for disease. The variant allele was found at a frequency of 1.6e-05 in 251406 control chromosomes. To our knowledge, no occurrence of c.2042dupT in individuals affected with TMPRSS15-related conditions and no experimental evidence demonstrating its impact on protein function have been reported. ClinVar contains an entry for this variant (Variation ID: 667030). Based on the evidence outlined above, the variant was classified as pathogenic.

Labcorp Genetics (formerly Invitae), Labcorp
Classification: Pathogenic. Last evaluated: 2024-01-29. Review status: criteria provided, single submitter. Criteria: Invitae Variant Classification Sherloc (09022015). Collection method: clinical testing. Allele origin: germline.
Comment: This sequence change creates a premature translational stop signal (p.Asn682Glnfs*24) in the TMPRSS15 gene. It is expected to result in an absent or disrupted protein product. Loss-of-function variants in TMPRSS15 are known to be pathogenic (PMID: 11719902). This variant is present in population databases (no rsID available, gnomAD 0.004%). This variant has not been reported in the literature in individuals affected with TMPRSS15-related conditions. ClinVar contains an entry for this variant (Variation ID: 667030). For these reasons, this variant has been classified as Pathogenic.

Laboratory for Molecular Medicine, Mass General Brigham Personalized Medicine
Classification: Uncertain significance. Last evaluated: 2018-12-27. Review status: criteria provided, single submitter. Criteria: LMM Criteria. Collection method: clinical testing. Allele origin: germline. Inheritance: Autosomal recessive inheritance. Observed: 1 variant allele.
Comment: Variant classified as Uncertain Significance - Favor Pathogenic. The p.Asn682Gln fsX24 variant in TMPRSS15 has not been previously reported in individuals with e nterokinase deficiency but has been identified in 4/113706 of European chromosom es by gnomAD. This variant is predicted to ca use a frameshift, which alters the protein?s amino acid sequence beginning at po sition 682 and leads to a premature termination codon 24 amino acids downstream. This alteration is then predicted to lead to a truncated or absent protein. Los s of function of the TMPRSS15 gene is associated with autosomal recessive entero kinase deficiency. In summary, there is suspicion for a pathogenic role; however , the gene-disease association between TMPRSS15 is currently assessed at a moder ate level. ACMG/AMP Criteria applied: PM2, PVS1_Moderate.

Literature cited by the submitters: PubMed 11719902 (cited by Labcorp Genetics (formerly Invitae), Labcorp).

NM_002772.3(TMPRSS15):c.2042dup (p.Asn682fs)

Gene: TMPRSS15 (transmembrane serine protease 15; minus strand). Cytogenetic location: 21q21.1.
Variant type: Duplication.
Coding change: c.2042dup on transcript NM_002772.3 (MANE Select); coding-DNA position 2042, one base duplicated (T; older notation c.2042dupT).
Protein change: p.Asn682fs; shifts the reading frame from asparagine 682.
Molecular consequence: frameshift variant.
Genome position (GRCh38, 1-based): chr21:18,313,068, A duplicated on the plus strand (T on the coding strand, the reverse complement: TMPRSS15 is on the minus strand); the first of 6 consecutive A bases (chr21:18,313,068-18,313,073); duplicating any one gives the same sequence. VCF-style (leftmost placement, unchanged base first): chr21-18313067-G-GA. GRCh37 (hg19) VCF-style: chr21-19685384-G-GA.
Other names: c.2042dupT (NM_002772.3); short protein forms N682fs.
Identifiers: ClinVar variation 667030 (VCV000667030.8), dbSNP rs1284864421, ClinGen allele CA511460681.